The following is an entry in ClinVar:

NM_015665.6(AAAS):c.370del (p.Leu124fs)

Gene: AAAS (aladin WD repeat nucleoporin; minus strand). Cytogenetic location: 12q13.13.
Variant type: Deletion.
Coding change: c.370del on transcript NM_015665.6 (MANE Select); coding-DNA position 370, one base deleted (C; older notation c.370delC).
Protein change: p.Leu124fs; shifts the reading frame from leucine 124.
Molecular consequence: frameshift variant.
Genome position (GRCh38, 1-based): chr12:53,315,364, G deleted on the plus strand (C on the coding strand, the reverse complement: AAAS is on the minus strand); the first of 3 consecutive G bases (chr12:53,315,364-53,315,366); deleting any one gives the same sequence. VCF-style (leftmost placement, unchanged base first): chr12-53315363-AG-A. GRCh37 (hg19) VCF-style: chr12-53709147-AG-A.
Other names: c.370del, p.Leu124fs (NM_001173466.2); short protein forms L124fs.
Identifiers: ClinVar variation 2776160 (VCV002776160.3), dbSNP rs2498626554, ClinGen allele CA2739272073.

ClinVar aggregate classification (germline): Pathogenic (1 of 4 stars; one submission).

Submission:

Labcorp Genetics (formerly Invitae), Labcorp
Classification: Pathogenic. Last evaluated: 2023-05-13. Review status: criteria provided, single submitter. Criteria: Invitae Variant Classification Sherloc (09022015). Collection method: clinical testing. Allele origin: germline.
Comment: For these reasons, this variant has been classified as Pathogenic. This variant has not been reported in the literature in individuals affected with AAAS-related conditions. This variant is not present in population databases (gnomAD no frequency). This sequence change creates a premature translational stop signal (p.Leu124Serfs*16) in the AAAS gene. It is expected to result in an absent or disrupted protein product. Loss-of-function variants in AAAS are known to be pathogenic (PMID: 11159947).

Literature cited by the submitters: PubMed 11159947.